The following is an entry in ClinVar:

NM_000391.4(TPP1):c.17+2T>A

Gene: TPP1 (tripeptidyl peptidase 1; minus strand). Cytogenetic location: 11p15.4.
Variant type: single nucleotide variant.
Coding change: c.17+2T>A on transcript NM_000391.4 (MANE Select); the canonical splice donor site of the intron after coding-DNA position 17, T replaced by A.
Molecular consequence: splice donor variant.
Genome position (GRCh38, 1-based): chr11:6,619,382, A>T on the plus strand (T>A on the coding strand, the complement: TPP1 is on the minus strand). VCF-style: chr11-6619382-A-T. GRCh37 (hg19) VCF-style: chr11-6640613-A-T.
Identifiers: ClinVar variation 1778337 (VCV001778337.7), dbSNP rs2493803105, ClinGen allele CA379477087.
Genomic context (GRCh38, chr11:6,619,382, plus strand): 5'-CCCTCCCAATGTGTGCTCCCTCCAACGTGATCCCTTTCTCCCGAGCCCTCTCAATTTCTC[A>T]CCAGGCTTGGAGTCCCATTCTGCCCTTCCGCGGATCTGCTGTCATGTGACGGATCACATG-3'

ClinVar aggregate classification (germline): Likely pathogenic. Review status: criteria provided, multiple submitters, no conflicts (2 of 4 stars). 2 submissions from 2 submitters: Likely pathogenic (2). Last evaluated 2022-10-07.

Conditions:
Inborn genetic diseases. Identifiers: MedGen C0950123, MeSH D030342.

Allele frequency attached by ClinVar (database versions not stated): gnomAD exomes below 0.00001.
gnomAD v4.1: 1 of 1,613,500 alleles (0.000062%); highest among the groups gnomAD compares: Non-Finnish European, 0.000085%; no homozygotes.

Submissions (2):

Labcorp Genetics (formerly Invitae), Labcorp
Classification: Likely pathogenic. Last evaluated: 2022-10-07. Review status: criteria provided, single submitter. Criteria: Invitae Variant Classification Sherloc (09022015). Collection method: clinical testing. Allele origin: germline.
Comment: This sequence change affects a donor splice site in intron 1 of the TPP1 gene. It is expected to disrupt RNA splicing. Variants that disrupt the donor or acceptor splice site typically lead to a loss of protein function (PMID: 16199547), and loss-of-function variants in TPP1 are known to be pathogenic (PMID: 10330339). This variant is not present in population databases (gnomAD no frequency). Disruption of this splice site has been observed in individual(s) with neuronal ceroid lipofuscinosis (PMID: 19201763). Algorithms developed to predict the effect of sequence changes on RNA splicing suggest that this variant may disrupt the consensus splice site. In summary, the currently available evidence indicates that the variant is pathogenic, but additional data are needed to prove that conclusively. Therefore, this variant has been classified as Likely Pathogenic.

Ambry Genetics
Classification: Likely pathogenic for Inborn genetic diseases. Last evaluated: 2018-04-19. Review status: criteria provided, single submitter. Criteria: Ambry Variant Classification Scheme 2023. Collection method: clinical testing. Allele origin: germline.
Comment: The c.17+2T>A intronic variant results from a T to A substitution two nucleotides after coding exon 1 in the TPP1 gene. This nucleotide position is highly conserved in available vertebrate species. Using the BDGP and ESEfinder splice site prediction tools, this alteration is predicted to abolish the native splice donor site; however, direct evidence is unavailable. Alterations that disrupt the canonical splice site are expected to cause aberrant splicing, resulting in an abnormal protein or a transcript that is subject to nonsense-mediated mRNA decay. As such, this alteration is classified as likely pathogenic.

Literature cited by the submitters: PubMed 16199547 (cited by Labcorp Genetics (formerly Invitae), Labcorp); PubMed 10330339 (cited by Labcorp Genetics (formerly Invitae), Labcorp); PubMed 19201763 (cited by Labcorp Genetics (formerly Invitae), Labcorp).